The following is an entry in ClinVar:

NM_014727.3(KMT2B):c.7244G>A (p.Arg2415His)

Gene: KMT2B (lysine methyltransferase 2B; plus strand). Cytogenetic location: 19q13.12.
Variant type: single nucleotide variant.
Coding change: c.7244G>A on transcript NM_014727.3 (MANE Select); coding-DNA position 7244, G replaced by A.
Protein change: p.Arg2415His; replaces arginine 2415 with histidine.
Molecular consequence: missense variant.
Genome position (GRCh38, 1-based): chr19:35,736,774, G>A. VCF-style: chr19-35736774-G-A. GRCh37 (hg19) VCF-style: chr19-36227675-G-A.
Other names: short protein forms R2415H.
Identifiers: ClinVar variation 3683731 (VCV003683731.2).
Genomic context (GRCh38, chr19:35,736,774, plus strand): 5'-AGCCTCCATCCCCAGATGATAAAGAGAACCAGGCCCCAAAACGGACTGGCCCACATCTGC[G>A]CTTCGAGATCAGCAGTGAGGATGGGTTCAGCGTTGAGGCAGAGAGCTTGGAGGGTGAGTG-3'
Protein context (NP_055542.1, residues 2405-2425): QAPKRTGPHL[Arg2415His]FEISSEDGFS

ClinVar aggregate classification (germline): Uncertain significance (1 of 4 stars; one submission).

gnomAD v4.1: 1 of 1,613,998 alleles (0.000062%); no homozygotes.

Submission:

Labcorp Genetics (formerly Invitae), Labcorp
Classification: Uncertain significance. Last evaluated: 2024-09-08. Review status: criteria provided, single submitter. Criteria: Invitae Variant Classification Sherloc (09022015). Collection method: clinical testing. Allele origin: germline.
Comment: This sequence change replaces arginine, which is basic and polar, with histidine, which is basic and polar, at codon 2415 of the KMT2B protein (p.Arg2415His). This variant is not present in population databases (gnomAD no frequency). This variant has not been reported in the literature in individuals affected with KMT2B-related conditions. Invitae Evidence Modeling of protein sequence and biophysical properties (such as structural, functional, and spatial information, amino acid conservation, physicochemical variation, residue mobility, and thermodynamic stability) has been performed for this missense variant. However, the output from this modeling did not meet the statistical confidence thresholds required to predict the impact of this variant on KMT2B protein function. In summary, the available evidence is currently insufficient to determine the role of this variant in disease. Therefore, it has been classified as a Variant of Uncertain Significance.